The following is an entry in ClinVar:

ClinVar aggregate classification (germline): Uncertain significance (1 of 4 stars; one submission).

Submission:

GeneDx
Classification: Uncertain significance. Last evaluated: 2025-05-05. Review status: criteria provided, single submitter. Criteria: GeneDx Variant Classification Process June 2021. Collection method: clinical testing. Allele origin: germline. Affected: yes.
Comment: Not observed at significant frequency in large population cohorts (gnomAD); In silico analysis supports that this missense variant has a deleterious effect on protein structure/function; Has not been previously published as pathogenic or benign to our knowledge

NM_002074.5(GNB1):c.139A>G (p.Thr47Ala)

Gene: GNB1 (G protein subunit beta 1; minus strand). Cytogenetic location: 1p36.33.
Variant type: single nucleotide variant.
Coding change: c.139A>G on transcript NM_002074.5 (MANE Select); coding-DNA position 139, A replaced by G.
Protein change: p.Thr47Ala; replaces threonine 47 with alanine.
Molecular consequence: missense variant. On other transcripts: intron variant (1).
Genome position (GRCh38, 1-based): chr1:1,815,820, T>C on the plus strand (A>G on the coding strand, the complement: GNB1 is on the minus strand). VCF-style: chr1-1815820-T-C. GRCh37 (hg19) VCF-style: chr1-1747259-T-C.
Other names: c.139A>G, p.Thr47Ala (NM_001282539.2); c.-97-9282A>G (NM_001282538.2); short protein forms T47A.
Identifiers: ClinVar variation 4527873 (VCV004527873.1).